The following is an entry in ClinVar:

ClinVar aggregate classification (germline): Pathogenic (1 of 4 stars; one submission).

Conditions:
Inosine triphosphatase deficiency. Also called: INOSINE TRIPHOSPHATE PYROPHOSPHOHYDROLASE DEFICIENCY. Identifiers: MedGen C0342800, MONDO:0013461, OMIM 613850.

Submission:

Labcorp Genetics (formerly Invitae), Labcorp
Classification: Pathogenic for Inosine triphosphatase deficiency. Last evaluated: 2020-01-24. Review status: criteria provided, single submitter. Criteria: Invitae Variant Classification Sherloc (09022015). Collection method: clinical testing. Allele origin: germline.
Comment: For these reasons, this variant has been classified as Pathogenic. Loss-of-function variants in ITPA are known to be pathogenic (PMID: 26224535). This deletion has not been reported in the literature in individuals with ITPA-related disease. This variant is a gross deletion of the genomic region encompassing exon 1 of the ITPA gene, which includes the initiator codon. The 5' end of this event is unknown as it extends beyond the assayed region for this gene and therefore may encompass additional genes. The 3' boundary is likely confined to intron 1 of the ITPA gene. This is expected to result in an absent or disrupted protein product.

Literature cited by the submitters: PubMed 26224535.

NC_000020.11:g.(?_3209532)_(3209637_?)del

Gene: ITPA (inosine triphosphatase; plus strand). Cytogenetic location: 20p13.
Variant type: Deletion.
Identifiers: ClinVar variation 533428 (VCV000533428.6).